The following is an entry in ClinVar:

ClinVar aggregate classification (germline): Likely benign. Review status: criteria provided, multiple submitters, no conflicts (2 of 4 stars). 9 submissions from 9 submitters: Likely benign (6). 3 of the submissions do not count toward it. Last evaluated 2026-01-15.

Conditions:
Inborn genetic diseases. Identifiers: MedGen C0950123, MeSH D030342.
MPDZ-related disorder. Also called: MPDZ-related condition.

Allele frequency attached by ClinVar (database versions not stated): 1000 Genomes Project 0.00160; 1000 Genomes Project 30x 0.00172; ExAC 0.00248; gnomAD exomes 0.00264 and 0.00427; gnomAD 0.00308 and 0.00314; ESP Exome Variant Server 0.00309; TOPMed 0.00325.

Submissions (9):

Labcorp Genetics (formerly Invitae), Labcorp
Classification: Likely benign. Last evaluated: 2026-01-15. Review status: criteria provided, single submitter. Criteria: Invitae Variant Classification Sherloc (09022015). Collection method: clinical testing. Allele origin: germline.

CeGaT Center for Human Genetics Tuebingen
Classification: Likely benign. Last evaluated: 2025-11-01. Review status: criteria provided, single submitter. Criteria: CeGaT Center For Human Genetics Tuebingen Variant Classification Criteria Version 2. Collection method: clinical testing. Allele origin: germline. Affected: yes. Observed: 2 variant alleles.
Comment: MPDZ: BP4, BS2

Blueprint Genetics
Classification: Likely benign. Last evaluated: 2024-11-23. Review status: criteria provided, single submitter. Criteria: ACMG Guidelines, 2015. Collection method: clinical testing. Allele origin: germline.

Ambry Genetics
Classification: Likely benign for Inborn genetic diseases. Last evaluated: 2021-10-21. Review status: criteria provided, single submitter. Criteria: Ambry Variant Classification Scheme 2023. Collection method: clinical testing. Allele origin: germline.

Genetic Services Laboratory, University of Chicago
Classification: Likely benign. Last evaluated: 2020-01-27. Review status: criteria provided, single submitter. Criteria: ACMG Guidelines, 2015. Collection method: clinical testing. Allele origin: germline. Affected: no.

Breakthrough Genomics
Classification: Likely benign. Review status: criteria provided, single submitter. Criteria: ACMG Guidelines, 2015. Collection method: not provided. Allele origin: germline. Inheritance: Autosomal recessive inheritance. Affected: yes.

PreventionGenetics, part of Exact Sciences
Classification: Likely benign for MPDZ-related condition. Last evaluated: 2022-06-24. Review status: no assertion criteria provided. Collection method: clinical testing. Allele origin: germline. Not counted in ClinVar's aggregate classification.
Comment: This variant is classified as likely benign based on ACMG/AMP sequence variant interpretation guidelines (Richards et al. 2015 PMID: 25741868, with internal and published modifications).

Clinical Genetics DNA and cytogenetics Diagnostics Lab, Erasmus MC, Erasmus Medical Center
Classification: Likely benign. Review status: no assertion criteria provided. Collection method: clinical testing. Allele origin: germline. Affected: yes. Study: VKGL Data-share Consensus. Not counted in ClinVar's aggregate classification.

Genome Diagnostics Laboratory, University Medical Center Utrecht
Classification: Likely benign. Review status: no assertion criteria provided. Collection method: clinical testing. Allele origin: germline. Affected: yes. Study: VKGL Data-share Consensus. Not counted in ClinVar's aggregate classification.

NM_001378778.1(MPDZ):c.2032A>T (p.Thr678Ser)

Gene: MPDZ (multiple PDZ domain crumbs cell polarity complex component; minus strand). Cytogenetic location: 9p23.
Variant type: single nucleotide variant.
Coding change: c.2032A>T on transcript NM_001378778.1 (MANE Select); coding-DNA position 2032, A replaced by T.
Protein change: p.Thr678Ser; replaces threonine 678 with serine.
Molecular consequence: missense variant.
Genome position (GRCh38, 1-based): chr9:13,190,236, T>A on the plus strand (A>T on the coding strand, the complement: MPDZ is on the minus strand). VCF-style: chr9-13190236-T-A. GRCh37 (hg19) VCF-style: chr9-13190235-T-A.
Other names: c.2032A>T, p.Thr678Ser (NM_001261406.2, NM_001261407.2, NM_001330637.2 and 14 more transcripts); c.2032A>T (NM_003829.3); short protein forms T678S.
Identifiers: ClinVar variation 770579 (VCV000770579.43), dbSNP rs189005767, ClinGen allele CA4987584.